The following is an entry in ClinVar:

NM_001376.5(DYNC1H1):c.3347T>C (p.Val1116Ala)

Gene: DYNC1H1 (dynein cytoplasmic 1 heavy chain 1; plus strand). Cytogenetic location: 14q32.31.
Variant type: single nucleotide variant.
Coding change: c.3347T>C on transcript NM_001376.5 (MANE Select); coding-DNA position 3347, T replaced by C.
Protein change: p.Val1116Ala; replaces valine 1116 with alanine.
Molecular consequence: missense variant.
Genome position (GRCh38, 1-based): chr14:101,994,999, T>C. VCF-style: chr14-101994999-T-C. GRCh37 (hg19) VCF-style: chr14-102461336-T-C.
Other names: short protein forms V1116A.
Identifiers: ClinVar variation 813292 (VCV000813292.2), dbSNP rs1595605449, ClinGen allele CA391033630.
Genomic context (GRCh38, chr14:101,994,999, plus strand): 5'-CCAGCAGGAAAGAGCTGATGATGTGTTGTGTGCTATTTCACCCTCAGGTACAATCTAAGG[T>C]GAACTTGAAATATGACTCTTGGCATAAGGAGGTTCTTAGCAAATTTGGGCAGATGCTAGG-3'
Protein context (NP_001367.2, residues 1106-1126): VIDYGKVQSK[Val1116Ala]NLKYDSWHKE

ClinVar aggregate classification (germline): Likely pathogenic (1 of 4 stars; one submission).

Conditions:
Lower limb muscle weakness. Identifiers: MedGen C1836296, HP:0007340.

Submission:

Pediatric Genomics Discovery Program, Yale University
Classification: Likely pathogenic for Lower limb muscle weakness. Last evaluated: 2019-05-14. Review status: criteria provided, single submitter. Criteria: ACMG Guidelines, 2015. Collection method: research. Allele origin: de novo. Inheritance: Sporadic. Affected: yes. Observed: 1 heterozygote.
Comment: The p.Val1116Ala variant in DYNC1H1 has not been reported prior to this entry, and is absent from controls (PM2). This residue is highly conserved in species. Multiple lines of in silico predictors suggest damaging effect of this amino acid substitution (PP3).